The following is an entry in ClinVar:

NM_017819.4(TRMT10C):c.1040G>T (p.Gly347Val)

Gene: TRMT10C (tRNA methyltransferase 10C, mitochondrial RNase P subunit; plus strand). Cytogenetic location: 3q12.3.
Variant type: single nucleotide variant.
Coding change: c.1040G>T on transcript NM_017819.4 (MANE Select); coding-DNA position 1040, G replaced by T.
Protein change: p.Gly347Val; replaces glycine 347 with valine.
Molecular consequence: missense variant.
Genome position (GRCh38, 1-based): chr3:101,565,821, G>T. VCF-style: chr3-101565821-G-T. GRCh37 (hg19) VCF-style: chr3-101284665-G-T.
Other names: short protein forms G347V.
Identifiers: ClinVar variation 4882229 (VCV004882229.2).
Genomic context (GRCh38, chr3:101,565,821, plus strand): 5'-AACGGCTGAACCTGGCAACTGAATGCCTTCCATTAGATAAATATTTACAATGGGAAATTG[G>T]TAACAAAAATCTCACCTTAGATCAAATGATACGTATTTTGTTATGTCTGAAAAACAATGG-3'
Protein context (NP_060289.2, residues 337-357): PLDKYLQWEI[Gly347Val]NKNLTLDQMI

ClinVar aggregate classification (germline): Uncertain significance (1 of 4 stars; one submission).

Conditions:
Combined oxidative phosphorylation defect type 30. Also called: Combined oxidative phosphorylation deficiency 30. Identifiers: Orphanet 478042, MedGen C5567605, MONDO:0014856, OMIM 616974.

gnomAD v4.1: 4 of 1,613,848 alleles (0.00025%); highest among the groups gnomAD compares: Non-Finnish European, 0.00034%; no homozygotes.

Submission:

Dasa
Classification: Uncertain significance for Combined oxidative phosphorylation defect type 30. Last evaluated: 2025-12-03. Review status: criteria provided, single submitter. Criteria: DASA Assertion Criteria. Collection method: clinical testing. Allele origin: germline.
Comment: NM_017819.4(TRMT10C):c.1040G>T (p.Gly347Val) is a missense variant that results in the substitution of glycine with valine. This variant is rare in population databases. The currently available literature and clinical evidence are not sufficient to establish a definitive association between this variant and the reported condition. Therefore, this variant is classified as a variant of uncertain significance.